The following is an entry in ClinVar:

NM_000097.7(CPOX):c.995G>A (p.Arg332Gln)

Gene: CPOX (coproporphyrinogen oxidase; minus strand). Cytogenetic location: 3q11.2.
Variant type: single nucleotide variant.
Coding change: c.995G>A on transcript NM_000097.7 (MANE Select); coding-DNA position 995, G replaced by A.
Protein change: p.Arg332Gln; replaces arginine 332 with glutamine.
Molecular consequence: missense variant.
Genome position (GRCh38, 1-based): chr3:98,585,618, C>T on the plus strand (G>A on the coding strand, the complement: CPOX is on the minus strand). VCF-style: chr3-98585618-C-T. GRCh37 (hg19) VCF-style: chr3-98304462-C-T.
Other names: c.995G>A, p.Arg332Gln (LRG_1077t1); short protein forms R332Q.
Identifiers: ClinVar variation 449558 (VCV000449558.28), dbSNP rs781627991, ClinGen allele CA2511543.
Genomic context (GRCh38, chr3:98,585,618, plus strand): 5'-CGAAACACCTCCTCCTTGGACGGAGAGTCAAGATCATCAAAAAAGATACCACCAATGCCC[C>T]GCCGTTCTCCACGATGGGCTATAAAGAAGTAATCATCACACCTGGAAAACACAGCGGCGC-3'
Protein context (NP_000088.3, residues 322-342): YFFIAHRGER[Arg332Gln]GIGGIFFDDL

ClinVar aggregate classification (germline): Conflicting classifications of pathogenicity. Review status: criteria provided, conflicting classifications (1 of 4 stars). 4 submissions from 4 submitters: Pathogenic (1); Likely pathogenic (1); Uncertain significance (2). Last evaluated 2024-10-24.

Conditions:
CPOX-related disorder. Also called: CPOX-related condition; CPOX-related disorders.

Allele frequency attached by ClinVar (database versions not stated): gnomAD exomes below 0.00001 and 0.00001; TOPMed below 0.00001; ExAC 0.00002.
gnomAD v4.1: 9 of 1,614,020 alleles (0.00056%); highest among the groups gnomAD compares: Non-Finnish European, 0.00068%; no homozygotes.

Submissions (4):

Blueprint Genetics
Classification: Likely pathogenic for CPOX-related disorders. Last evaluated: 2024-10-24. Review status: criteria provided, single submitter. Criteria: ACMG Guidelines, 2015. Collection method: clinical testing. Allele origin: germline. Affected: yes. Observed: 5 variant alleles.

CeGaT Center for Human Genetics Tuebingen
Classification: Uncertain significance. Last evaluated: 2024-08-01. Review status: criteria provided, single submitter. Criteria: CeGaT Center For Human Genetics Tuebingen Variant Classification Criteria Version 2. Collection method: clinical testing. Allele origin: germline. Affected: yes. Observed: 1 variant allele.
Comment: CPOX: PM5, PP3

Labcorp Genetics (formerly Invitae), Labcorp
Classification: Pathogenic. Last evaluated: 2023-12-31. Review status: criteria provided, single submitter. Criteria: Invitae Variant Classification Sherloc (09022015). Collection method: clinical testing. Allele origin: germline.
Comment: This sequence change replaces arginine, which is basic and polar, with glutamine, which is neutral and polar, at codon 332 of the CPOX protein (p.Arg332Gln). This variant is not present in population databases (gnomAD no frequency). This missense change has been observed in individuals with coproporphyria (PMID: 18557518, 23582006; Invitae). It has also been observed to segregate with disease in related individuals. ClinVar contains an entry for this variant (Variation ID: 449558). Advanced modeling of protein sequence and biophysical properties (such as structural, functional, and spatial information, amino acid conservation, physicochemical variation, residue mobility, and thermodynamic stability) performed at Invitae indicates that this missense variant is expected to disrupt CPOX protein function with a positive predictive value of 80%. For these reasons, this variant has been classified as Pathogenic.

GeneDx
Classification: Uncertain significance. Last evaluated: 2017-09-14. Review status: criteria provided, single submitter. Criteria: GeneDx Variant Classification (06012015). Collection method: clinical testing. Allele origin: germline. Affected: yes.
Comment: The R332Q variant was identified in two unrelated families with clinical and biochemical features suggestive of hereditary coproporphyria (HCP) (Gorman et al., 2008; Ma et al., 2011). In both families, the R332Q variant was identified in several individuals with acute episodes of porphyria symptoms, some of whom responded to treatment with heme arginate infusions, and was also detected in unaffected family members (Gorman et al., 2008; Ma et al., 2011; Rudd et al., 2013). The R332Q variant is not observed at significance frequency in large population cohorts (Lek et al., 2016; 1000 Genomes Consortium et al., 2015; Exome Variant Server). It is a semi-conservative amino acid substitution that occurs at a position that is conserved across species. In silico analysis predicts this variant is probably damaging to the protein structure/function. Based on the currently available information, it is unclear whether this variant is a pathogenic variant or a rare benign variant

Literature cited by the submitters: PubMed 18557518 (cited by Labcorp Genetics (formerly Invitae), Labcorp); PubMed 23582006 (cited by Labcorp Genetics (formerly Invitae), Labcorp).